The following is an entry in ClinVar:

NM_032551.5(KISS1R):c.408G>C (p.Met136Ile)

Gene: KISS1R (KISS1 receptor; plus strand). Cytogenetic location: 19p13.3.
Variant type: single nucleotide variant.
Coding change: c.408G>C on transcript NM_032551.5 (MANE Select); coding-DNA position 408, G replaced by C.
Protein change: p.Met136Ile; replaces methionine 136 with isoleucine.
Molecular consequence: missense variant.
Genome position (GRCh38, 1-based): chr19:919,528, G>C. VCF-style: chr19-919528-G-C. GRCh37 (hg19) VCF-style: chr19-919528-G-C.
Other names: short protein forms M136I.
Identifiers: ClinVar variation 4534217 (VCV004534217.6).
Genomic context (GRCh38, chr19:919,528, plus strand): 5'-GCCCGGCTGGCGGCTCCCGCAGGTCTCGGTGCAGGCCACGTGTGCCACTCTGACCGCCAT[G>C]AGTGTGGACCGCTGGTACGTGACGGTGTTCCCGTTGCGCGCCCTGCACCGCCGCACGCCC-3'
Protein context (NP_115940.2, residues 126-146): VQATCATLTA[Met136Ile]SVDRWYVTVF

ClinVar aggregate classification (germline): Uncertain significance (1 of 4 stars; one submission).

Submission:

CeGaT Center for Human Genetics Tuebingen
Classification: Uncertain significance. Last evaluated: 2025-10-01. Review status: criteria provided, single submitter. Criteria: CeGaT Center For Human Genetics Tuebingen Variant Classification Criteria Version 2. Collection method: clinical testing. Allele origin: germline. Affected: yes. Observed: 1 variant allele.
Comment: KISS1R: PM2